The following is an entry in ClinVar:

NM_018979.4(WNK1):c.5583+36C>T

Gene: WNK1 (WNK lysine deficient protein kinase 1; plus strand). Cytogenetic location: 12p13.33.
Variant type: single nucleotide variant.
Coding change: c.5583+36C>T on transcript NM_018979.4 (MANE Select); 36 bases into the intron after coding-DNA position 5583, C replaced by T.
Molecular consequence: intron variant.
Genome position (GRCh38, 1-based): chr12:894,671, C>T. VCF-style: chr12-894671-C-T. GRCh37 (hg19) VCF-style: chr12-1003837-C-T.
Other names: c.6339+36C>T (NM_213655.5); c.6363+36C>T (NM_001184985.2); c.4839+36C>T (NM_014823.3).
Identifiers: ClinVar variation 674135 (VCV000674135.12), dbSNP rs2301880, ClinGen allele CA6383243.
Genomic context (GRCh38, chr12:894,671, plus strand): 5'-TGTTTTTAAGATGGGACGATTTCAGGTAAGACAGTCACTTTGTGTTGCCTTGATTCCTTC[C>T]TTTGGAGGAGTTGTCTATATAATAAAATTACTGCCTACCTATTTGGGACACAATTGCCAG-3'

ClinVar aggregate classification (germline): Benign. Review status: criteria provided, multiple submitters, no conflicts (2 of 4 stars). 4 submissions from 4 submitters: Benign (4). Last evaluated 2026-01-05.

Conditions:
Pseudohypoaldosteronism type 2C (PHA2C). Also called: Pseudohypoaldosteronism Type IIC. Identifiers: Orphanet 757, Orphanet 88940, MedGen C1840391, MONDO:0013778, OMIM 614492.
Neuropathy, hereditary sensory and autonomic, type 2A (HSAN2A). Also called: ACROOSTEOLYSIS, GIACCAI TYPE; ACROOSTEOLYSIS, NEUROGENIC; HSAN IIA; WNK1-Related HSAN2 (HSAN2A); MORVAN DISEASE; NEUROPATHY, CONGENITAL SENSORY. Identifiers: Orphanet 970, MedGen C2752089, MONDO:0024309, OMIM 201300.

Allele frequency attached by ClinVar (database versions not stated): gnomAD exomes 0.23565 and 0.24184; ExAC 0.23666; gnomAD 0.24814 and 0.24839; 1000 Genomes Project 0.24840; 1000 Genomes Project 30x 0.25031; TOPMed 0.25193; ESP Exome Variant Server 0.25419.
gnomAD v4.1: 384,850 of 1,586,762 alleles (24%); highest among the groups gnomAD compares: Middle Eastern, 32%; 47,262 homozygotes.

Submissions (4):

Labcorp Genetics (formerly Invitae), Labcorp
Classification: Benign for Neuropathy, hereditary sensory and autonomic, type 2A; Pseudohypoaldosteronism type 2C. Last evaluated: 2026-01-05. Review status: criteria provided, single submitter. Criteria: Invitae Variant Classification Sherloc (09022015). Collection method: clinical testing. Allele origin: germline.

Genome-Nilou Lab
Classification: Benign for Neuropathy, hereditary sensory and autonomic, type 2A. Last evaluated: 2021-07-14. Review status: criteria provided, single submitter. Criteria: ACMG Guidelines, 2015. Collection method: clinical testing. Allele origin: germline. Affected: no.

GeneDx
Classification: Benign. Last evaluated: 2018-06-20. Review status: criteria provided, single submitter. Criteria: GeneDx Variant Classification (06012015). Collection method: clinical testing. Allele origin: germline. Affected: yes.
Comment: This variant is considered likely benign or benign based on one or more of the following criteria: it is a conservative change, it occurs at a poorly conserved position in the protein, it is predicted to be benign by multiple in silico algorithms, and/or has population frequency not consistent with disease.

Breakthrough Genomics
Classification: Benign. Review status: criteria provided, single submitter. Criteria: ACMG Guidelines, 2015. Collection method: not provided. Allele origin: germline. Inheritance: Autosomal recessive inheritance. Affected: yes.